The following is an entry in ClinVar:

ClinVar aggregate classification (germline): Uncertain significance. Review status: criteria provided, multiple submitters, no conflicts (2 of 4 stars). 2 submissions from 2 submitters: Uncertain significance (2). Last evaluated 2025-09-18.

Conditions:
Hereditary cancer-predisposing syndrome. Also called: Tumor predisposition; Neoplastic Syndromes, Hereditary; Hereditary neoplastic syndrome; Hereditary Cancer Syndrome. Identifiers: Orphanet 140162, MedGen C0027672, MeSH D009386, MONDO:0015356.
Oligodontia-cancer predisposition syndrome. Also called: TOOTH AGENESIS-COLORECTAL CANCER SYNDROME. Identifiers: Orphanet 300576, MedGen C1837750, MONDO:0012075, OMIM 608615. Disease mechanism: loss of function.

Submissions (2):

Ambry Genetics
Classification: Uncertain significance for Hereditary cancer-predisposing syndrome. Last evaluated: 2025-09-18. Review status: criteria provided, single submitter. Criteria: Ambry Variant Classification Scheme 2023. Collection method: clinical testing. Allele origin: germline.
Comment: The c.1551_1565del15 variant (also known as p.Y518_H522del) is located in coding exon 5 of the AXIN2 gene. This variant results from an in-frame deletion of 15 nucleotides at nucleotide positions 1551 to 1565. This results in the in-frame deletion of 5 amino acids at codons 518 to 522. This amino acid region is well conserved in available vertebrate species. In addition, this alteration is predicted to be deleterious by in silico analysis (Choi Y et al. PLoS ONE. 2012; 7(10):e46688). Based on the available evidence, the clinical significance of this variant remains unclear.

Labcorp Genetics (formerly Invitae), Labcorp
Classification: Uncertain significance for Oligodontia-cancer predisposition syndrome. Last evaluated: 2024-08-29. Review status: criteria provided, single submitter. Criteria: Invitae Variant Classification Sherloc (09022015). Collection method: clinical testing. Allele origin: germline.
Comment: This variant, c.1551_1565del, results in the deletion of 5 amino acid(s) of the AXIN2 protein (p.Tyr518_His522del), but otherwise preserves the integrity of the reading frame. This variant is not present in population databases (gnomAD no frequency). This variant has not been reported in the literature in individuals affected with AXIN2-related conditions. ClinVar contains an entry for this variant (Variation ID: 1017460). Experimental studies and prediction algorithms are not available or were not evaluated, and the functional significance of this variant is currently unknown. In summary, the available evidence is currently insufficient to determine the role of this variant in disease. Therefore, it has been classified as a Variant of Uncertain Significance.

NM_004655.4(AXIN2):c.1551_1565del (p.Tyr518_His522del)

Gene: AXIN2 (axin 2; minus strand). Cytogenetic location: 17q24.1.
Variant type: Deletion.
Coding change: c.1551_1565del on transcript NM_004655.4 (MANE Select); coding-DNA positions 1551 to 1565, 15 bases deleted (CTACATCCACCACCA).
Protein change: p.Tyr518_His522del.
Molecular consequence: inframe deletion.
Genome position (GRCh38, 1-based): chr17:65,537,471-65,537,485, TGGTGGTGGATGTAG deleted on the plus strand (CTACATCCACCACCA on the coding strand, the reverse complement: AXIN2 is on the minus strand); deleting any 15 consecutive bases within chr17:65,537,471-65,537,495 gives the same sequence; the c. name uses the placement nearest the transcript's 3' end. VCF-style (leftmost placement, unchanged base first): chr17-65537470-ATGGTGGTGGATGTAG-A. GRCh37 (hg19) VCF-style: chr17-63533588-ATGGTGGTGGATGTAG-A.
Other names: c.1551_1565del15 (NM_004655.3); c.1551_1565del, p.Tyr518_His522del (NM_001363813.1).
Identifiers: ClinVar variation 1017460 (VCV001017460.11), dbSNP rs2043949244, ClinGen allele CA985561515.